The following is an entry in ClinVar:

ClinVar aggregate classification (germline): Uncertain significance. Review status: criteria provided, single submitter (1 of 4 stars). 2 submissions from 2 submitters: Uncertain significance (1). 1 of the submissions does not count toward it. Last evaluated 2024-11-27.

Conditions:
WDHD1-related disorder. Also called: WDHD1-related condition.

Allele frequency attached by ClinVar (database versions not stated): gnomAD exomes 0.00006; ExAC 0.00022; 1000 Genomes Project 30x 0.00047; 1000 Genomes Project 0.00060; ESP Exome Variant Server 0.00062; gnomAD 0.00083; TOPMed 0.00089.
gnomAD v4.1: 226 of 1,613,878 alleles (0.014%); highest among the groups gnomAD compares: African/African-American, 0.26%; no homozygotes.

Submissions (3):

Ambry Genetics
Classification: Uncertain significance. Last evaluated: 2024-11-27. Review status: criteria provided, single submitter. Criteria: Ambry Variant Classification Scheme 2023. Collection method: clinical testing. Allele origin: germline.

PreventionGenetics, part of Exact Sciences
Classification: Likely benign for WDHD1-related condition. Last evaluated: 2022-04-18. Review status: no assertion criteria provided. Collection method: clinical testing. Allele origin: germline. Not counted in ClinVar's aggregate classification.
Comment: This variant is classified as likely benign based on ACMG/AMP sequence variant interpretation guidelines (Richards et al. 2015 PMID: 25741868, with internal and published modifications).

Dr. Peter K. Rogan Lab, Western University
No classification provided (evidence only). Condition: Thymoma. Review status: no classification provided. Collection method: in vitro. Allele origin: not applicable. Functional consequence: retained intron. Not counted in ClinVar's aggregate classification.

NM_007086.4(WDHD1):c.1070A>G (p.Asp357Gly)

Gene: WDHD1 (WD repeat and HMG-box DNA binding protein 1; minus strand). Cytogenetic location: 14q22.2.
Variant type: single nucleotide variant.
Coding change: c.1070A>G on transcript NM_007086.4 (MANE Select); coding-DNA position 1070, A replaced by G.
Protein change: p.Asp357Gly; replaces aspartic acid 357 with glycine.
Molecular consequence: missense variant.
Genome position (GRCh38, 1-based): chr14:54,995,686, T>C on the plus strand (A>G on the coding strand, the complement: WDHD1 is on the minus strand). VCF-style: chr14-54995686-T-C. GRCh37 (hg19) VCF-style: chr14-55462404-T-C.
Other names: NC_000014.8:g.55462404T>C; c.701A>G, p.Asp234Gly (NM_001008396.3); short protein forms D234G, D357G.
Identifiers: ClinVar variation 3036357 (VCV003036357.4), dbSNP rs148572722, ClinGen allele CA7194464.